The following is an entry in ClinVar:

NM_030665.4(RAI1):c.295G>A (p.Gly99Ser)

Gene: RAI1 (retinoic acid induced 1; plus strand). Cytogenetic location: 17p11.2.
Variant type: single nucleotide variant.
Coding change: c.295G>A on transcript NM_030665.4 (MANE Select); coding-DNA position 295, G replaced by A.
Protein change: p.Gly99Ser; replaces glycine 99 with serine.
Molecular consequence: missense variant.
Genome position (GRCh38, 1-based): chr17:17,793,243, G>A. VCF-style: chr17-17793243-G-A. GRCh37 (hg19) VCF-style: chr17-17696557-G-A.
Other names: c.295G>A (NM_030665.3); short protein forms G99S.
Identifiers: ClinVar variation 1445248 (VCV001445248.9), dbSNP rs146679063, ClinGen allele CA8418095.

ClinVar aggregate classification (germline): Benign. Review status: criteria provided, single submitter (1 of 4 stars). 2 submissions from 2 submitters: Benign (1). 1 of the submissions does not count toward it. Last evaluated 2024-09-17.

Conditions:
RAI1-related disorder. Also called: RAI1-related condition.

Allele frequency attached by ClinVar (database versions not stated): gnomAD exomes below 0.00001 and 0.00002; ExAC 0.00001; gnomAD 0.00003 and 0.00004; TOPMed 0.00003; ESP Exome Variant Server 0.00008.

Submissions (2):

Labcorp Genetics (formerly Invitae), Labcorp
Classification: Benign. Last evaluated: 2024-09-17. Review status: criteria provided, single submitter. Criteria: Invitae Variant Classification Sherloc (09022015). Collection method: clinical testing. Allele origin: germline.

PreventionGenetics, part of Exact Sciences
Classification: Uncertain significance for RAI1-related condition. Last evaluated: 2024-04-30. Review status: no assertion criteria provided. Collection method: clinical testing. Allele origin: germline. Not counted in ClinVar's aggregate classification.
Comment: The RAI1 c.295G>A variant is predicted to result in the amino acid substitution p.Gly99Ser. To our knowledge, this variant has not been reported in the literature. This variant is reported in 0.030% of alleles in individuals of African descent in gnomAD, which may be too frequent to be a primary cause of disease. Although we suspect that c.295G>A (p.Gly99Ser) may be benign, the clinical significance of this variant is currently classified as uncertain due to the absence of conclusive functional and genetic evidence.